The following is an entry in ClinVar:

ClinVar aggregate classification (germline): Likely pathogenic (1 of 4 stars; one submission).

Conditions:
Severe X-linked myotubular myopathy (CNMX). Also called: X-linked centronuclear myopathy; Myotubular myopathy, X-linked; MYOTUBULAR MYOPATHY 1. Identifiers: Orphanet 596, MedGen C0410203, MONDO:0010683, OMIM 310400.

Submission:

Juno Genomics, Hangzhou Juno Genomics, Inc
Classification: Likely pathogenic for Severe X-linked myotubular myopathy. Review status: criteria provided, single submitter. Criteria: ACMG Guidelines, 2015. Collection method: clinical testing. Allele origin: germline. Affected: yes.
Comment: Absent from controls (or at extremely low frequency if recessive) in Genome Aggregation Database, Exome Sequencing Project, 1000 Genomes Project, or Exome Aggregation Consortium.;Null variant in a gene where loss of function (LOF) is a known mechanism of disease.

NM_000252.3(MTM1):c.596del (p.Pro199fs)

Gene: MTM1 (myotubularin 1; plus strand). Cytogenetic location: Xq28.
Variant type: Deletion.
Coding change: c.596del on transcript NM_000252.3 (MANE Select); coding-DNA position 596, one base deleted (C; older notation c.596delC).
Protein change: p.Pro199fs; shifts the reading frame from proline 199.
Molecular consequence: frameshift variant.
Genome position (GRCh38, 1-based): chrX:150,641,336, C deleted; the last of 3 consecutive C bases (chrX:150,641,334-150,641,336); deleting any one gives the same sequence. VCF-style (leftmost placement, unchanged base first): chrX-150641333-AC-A. GRCh37 (hg19) VCF-style: chrX-149809806-AC-A.
Other names: c.596del, p.Pro199fs (NM_001376906.1, NM_001376908.1); c.485del, p.Pro162fs (NM_001376907.1); short protein forms P162fs, P199fs.
Identifiers: ClinVar variation 4531287 (VCV004531287.1).
Genomic context (GRCh38, chrX:150,641,333, plus strand): 5'-TGCCCAATCACCATTGGAGAATAACTTTTATTAATAAGTGCTATGAGCTCTGTGACACTT[AC>A]CCTGCTCTTTTGGTGGTTCCGTATCGTGCCTCAGATGATGACCTCCGGAGAGTTGCAACT-3'